The following is an entry in ClinVar:

ClinVar aggregate classification (germline): Uncertain significance (1 of 4 stars; one submission).

Conditions:
Emery-Dreifuss muscular dystrophy 5, autosomal dominant (EDMD5). Also called: EMERY-DREIFUSS MUSCULAR DYSTROPHY 5. Identifiers: Orphanet 261, MedGen C2751805, MONDO:0013072, OMIM 612999.

gnomAD v4.1: 1 of 1,614,204 alleles (0.000062%); highest among the groups gnomAD compares: Non-Finnish European, 0.000085%; no homozygotes.

Submission:

Labcorp Genetics (formerly Invitae), Labcorp
Classification: Uncertain significance for Emery-Dreifuss muscular dystrophy 5, autosomal dominant. Last evaluated: 2024-05-15. Review status: criteria provided, single submitter. Criteria: Invitae Variant Classification Sherloc (09022015). Collection method: clinical testing. Allele origin: germline.
Comment: This sequence change replaces leucine, which is neutral and non-polar, with serine, which is neutral and polar, at codon 4805 of the SYNE2 protein (p.Leu4805Ser). This variant is not present in population databases (gnomAD no frequency). This variant has not been reported in the literature in individuals affected with SYNE2-related conditions. ClinVar contains an entry for this variant (Variation ID: 1513341). An algorithm developed to predict the effect of missense changes on protein structure and function (PolyPhen-2) suggests that this variant is likely to be tolerated. In summary, the available evidence is currently insufficient to determine the role of this variant in disease. Therefore, it has been classified as a Variant of Uncertain Significance.

NM_182914.3(SYNE2):c.14414T>C (p.Leu4805Ser)

Gene: SYNE2 (spectrin repeat containing nuclear envelope protein 2; plus strand). Cytogenetic location: 14q23.2.
Variant type: single nucleotide variant.
Coding change: c.14414T>C on transcript NM_182914.3 (MANE Select); coding-DNA position 14414, T replaced by C.
Protein change: p.Leu4805Ser; replaces leucine 4805 with serine.
Molecular consequence: missense variant.
Genome position (GRCh38, 1-based): chr14:64,132,338, T>C. VCF-style: chr14-64132338-T-C. GRCh37 (hg19) VCF-style: chr14-64599056-T-C.
Other names: c.14414T>C, p.Leu4805Ser (NM_015180.6); short protein forms L4805S.
Identifiers: ClinVar variation 1513341 (VCV001513341.8), dbSNP rs2153681833, ClinGen allele CA389983375.
Genomic context (GRCh38, chr14:64,132,338, plus strand): 5'-AGCTTGTTGCTGACATGTTGTTGATCCAAGCATACTCTGCCAAAATACTTCCTTCTTTAT[T>C]GCAAAACAGAGAGACATTTTGGGCAGAACAAGTAACAGAAGTTAAAATACTAGAAGAAAA-3'
Protein context (NP_878918.2, residues 4795-4815): AYSAKILPSL[Leu4805Ser]QNRETFWAEQ